The following is an entry in ClinVar:

ClinVar aggregate classification (germline): Uncertain significance. Review status: criteria provided, single submitter (1 of 4 stars). 2 submissions from 2 submitters: Uncertain significance (1). 1 of the submissions does not count toward it. Last evaluated 2023-01-30.

Conditions:
Neuronal ceroid lipofuscinosis 13 (CLN13). Also called: CLN13 Disease; CEROID LIPOFUSCINOSIS, NEURONAL, 13 (KUFS TYPE). Identifiers: Orphanet 352709, Orphanet 79262, MedGen C3715049, MONDO:0014147, OMIM 615362.
CTSF-related disorder. Also called: CTSF-related condition.

Allele frequency attached by ClinVar (database versions not stated): gnomAD 0.00008; gnomAD exomes 0.00005 and 0.00006; ESP Exome Variant Server 0.00008; ExAC 0.00001; TOPMed 0.00005.

Submissions (2):

PreventionGenetics, part of Exact Sciences
Classification: Uncertain significance for CTSF-related condition. Last evaluated: 2023-01-30. Review status: criteria provided, single submitter. Criteria: ACMG Guidelines, 2015. Collection method: clinical testing. Allele origin: germline.
Comment: The CTSF c.692A>G variant is predicted to result in the amino acid substitution p.Tyr231Cys. This variant has been reported in the compound heterozygous state in an individual suspected of having CTSF-related disease (Smith et al. 2013. PubMed ID: 23297359; Bras et al. 2016. PubMed ID: 27524508; Ketterer et al. 2017. PubMed ID: 27926992; De Pasquale et al. 2020. PubMed ID: 32326609). This variant is reported in 0.011% of alleles in individuals of European (Non-Finnish) descent in gnomAD. At this time, the clinical significance of this variant is uncertain due to the absence of conclusive functional and genetic evidence.

OMIM
Classification: Pathogenic for CEROID LIPOFUSCINOSIS, NEURONAL, 13 (KUFS TYPE). Last evaluated: 2013-04-01. Review status: no assertion criteria provided. Collection method: literature only. Allele origin: germline. Not counted in ClinVar's aggregate classification.

Literature cited by the submitters: PubMed 23297359 (cited by OMIM).

NM_003793.4(CTSF):c.692A>G (p.Tyr231Cys)

Gene: CTSF (cathepsin F; minus strand). Cytogenetic location: 11q13.2.
Variant type: single nucleotide variant.
Coding change: c.692A>G on transcript NM_003793.4 (MANE Select); coding-DNA position 692, A replaced by G.
Protein change: p.Tyr231Cys; replaces tyrosine 231 with cysteine.
Molecular consequence: missense variant.
Genome position (GRCh38, 1-based): chr11:66,566,320, T>C on the plus strand (A>G on the coding strand, the complement: CTSF is on the minus strand). VCF-style: chr11-66566320-T-C. GRCh37 (hg19) VCF-style: chr11-66333791-T-C.
Other names: CTSF, TYR231CYS (rs143889283); c.692A>G (NM_003793.3); short protein forms Y231C.
Identifiers: ClinVar variation 60678 (VCV000060678.3), dbSNP rs143889283, ClinGen allele CA144619.
Genomic context (GRCh38, chr11:66,566,320, plus strand): 5'-GATCCATGAGGACTGTGGCCACTATCCCTACCTGTGAGATCACTGAACTTGGTGACTCCA[T>C]ACTGAGCTGTGCCACGGTCCAGGGCCTGGATCTTCTGTGCTCGCACCATGTTATTGACAA-3'
Protein context (NP_003784.2, residues 221-241): IQALDRGTAQ[Tyr231Cys]GVTKFSDLTE